The following is an entry in ClinVar:

NM_015443.4(KANSL1):c.1621G>A (p.Ala541Thr)

Gene: KANSL1 (KAT8 regulatory NSL complex subunit 1). Cytogenetic location: 17q21.31.
Variant type: single nucleotide variant.
Coding change: c.1621G>A on transcript NM_015443.4 (MANE Select); coding-DNA position 1621, G replaced by A.
Protein change: p.Ala541Thr; replaces alanine 541 with threonine.
Molecular consequence: missense variant.
Genome position (GRCh38, 1-based): chr17:46,067,580, C>T on the plus strand (G>A on the coding strand, the complement: KANSL1 is on the minus strand). VCF-style: chr17-46067580-C-T. GRCh37 (hg19) VCF-style: chr17-44144946-C-T.
Other names: c.1621G>A, p.Ala541Thr (NM_001193465.2, NM_001193466.2, NM_001379198.1 and 14 more transcripts); c.1519G>A, p.Ala507Thr (NM_001405859.1, NM_001405860.1, NM_001405861.1 and 1 more transcripts); c.355G>A, p.Ala119Thr (NM_001405882.1, NM_001405883.1, NM_001405884.1 and 1 more transcripts); short protein forms A541T, A119T, A507T.
Identifiers: ClinVar variation 2956841 (VCV002956841.3), dbSNP rs2510764251, ClinGen allele CA399987470.

ClinVar aggregate classification (germline): Uncertain significance (1 of 4 stars; one submission).

Conditions:
Koolen-de Vries syndrome (KDVS). Identifiers: Orphanet 96169, MedGen C1864871, MONDO:0012496, OMIM 610443.

Allele frequency attached by ClinVar (database versions not stated): gnomAD exomes 0.00001.
gnomAD v4.1: 7 of 1,605,174 alleles (0.00044%); highest among the groups gnomAD compares: Non-Finnish European, 0.0006%; no homozygotes.

Submission:

Labcorp Genetics (formerly Invitae), Labcorp
Classification: Uncertain significance for Koolen-de Vries syndrome. Last evaluated: 2023-02-28. Review status: criteria provided, single submitter. Criteria: Invitae Variant Classification Sherloc (09022015). Collection method: clinical testing. Allele origin: germline.
Comment: In summary, the available evidence is currently insufficient to determine the role of this variant in disease. Therefore, it has been classified as a Variant of Uncertain Significance. This sequence change replaces alanine, which is neutral and non-polar, with threonine, which is neutral and polar, at codon 541 of the KANSL1 protein (p.Ala541Thr). This variant is not present in population databases (gnomAD no frequency). This variant has not been reported in the literature in individuals affected with KANSL1-related conditions. Advanced modeling of protein sequence and biophysical properties (such as structural, functional, and spatial information, amino acid conservation, physicochemical variation, residue mobility, and thermodynamic stability) performed at Invitae indicates that this missense variant is not expected to disrupt KANSL1 protein function.